The following is an entry in ClinVar:

ClinVar aggregate classification (germline): Uncertain significance (1 of 4 stars; one submission).

Allele frequency attached by ClinVar (database versions not stated): gnomAD exomes 0.00001; TOPMed 0.00001.
gnomAD v4.1: 7 of 1,613,846 alleles (0.00043%); highest among the groups gnomAD compares: Non-Finnish European, 0.00059%; no homozygotes.

Submission:

Labcorp Genetics (formerly Invitae), Labcorp
Classification: Uncertain significance. Last evaluated: 2023-04-14. Review status: criteria provided, single submitter. Criteria: Invitae Variant Classification Sherloc (09022015). Collection method: clinical testing. Allele origin: germline.
Comment: In summary, the available evidence is currently insufficient to determine the role of this variant in disease. Therefore, it has been classified as a Variant of Uncertain Significance. Advanced modeling of protein sequence and biophysical properties (such as structural, functional, and spatial information, amino acid conservation, physicochemical variation, residue mobility, and thermodynamic stability) performed at Invitae indicates that this missense variant is not expected to disrupt CACNA1D protein function. This variant has not been reported in the literature in individuals affected with CACNA1D-related conditions. This variant is not present in population databases (gnomAD no frequency). This sequence change replaces arginine, which is basic and polar, with histidine, which is basic and polar, at codon 864 of the CACNA1D protein (p.Arg864His).

NM_001128840.3(CACNA1D):c.2531G>A (p.Arg844His)

Gene: CACNA1D (calcium voltage-gated channel subunit alpha1 D; plus strand). Cytogenetic location: 3p21.1.
Variant type: single nucleotide variant.
Coding change: c.2531G>A on transcript NM_001128840.3 (MANE Select); coding-DNA position 2531, G replaced by A.
Protein change: p.Arg844His; replaces arginine 844 with histidine.
Molecular consequence: missense variant.
Genome position (GRCh38, 1-based): chr3:53,732,872, G>A. VCF-style: chr3-53732872-G-A. GRCh37 (hg19) VCF-style: chr3-53766899-G-A.
Other names: c.2591G>A, p.Arg864His (NM_000720.4); c.2531G>A, p.Arg844His (NM_001128839.3); short protein forms R844H, R864H.
Identifiers: ClinVar variation 2784822 (VCV002784822.3), dbSNP rs2095012333, ClinGen allele CA353241519.